The following is an entry in ClinVar:

ClinVar aggregate classification (germline): Uncertain significance. Review status: criteria provided, multiple submitters, no conflicts (2 of 4 stars). 3 submissions from 3 submitters: Uncertain significance (3). Last evaluated 2025-07-17.

Conditions:
Gorlin syndrome. Also called: Nevoid Basal Cell Carcinoma Syndrome; Basal cell nevus syndrome. Identifiers: Orphanet 377, MedGen C0004779, MONDO:0007187.
Hereditary cancer-predisposing syndrome. Also called: Neoplastic Syndromes, Hereditary; Hereditary Cancer Syndrome; Tumor predisposition; Hereditary neoplastic syndrome. Identifiers: Orphanet 140162, MedGen C0027672, MeSH D009386, MONDO:0015356.

Allele frequency attached by ClinVar (database versions not stated): gnomAD exomes below 0.00001; ExAC 0.00001.
gnomAD v4.1: 4 of 1,613,684 alleles (0.00025%); highest among the groups gnomAD compares: Non-Finnish European, 0.00034%; no homozygotes.

Submissions (3):

Ambry Genetics
Classification: Uncertain significance for Hereditary cancer-predisposing syndrome. Last evaluated: 2025-07-17. Review status: criteria provided, single submitter. Criteria: Ambry Variant Classification Scheme 2023. Collection method: clinical testing. Allele origin: germline.
Comment: The p.P1385L variant (also known as c.4154C>T), located in coding exon 23 of the PTCH1 gene, results from a C to T substitution at nucleotide position 4154. The proline at codon 1385 is replaced by leucine, an amino acid with similar properties. This amino acid position is conserved. In addition, this alteration is predicted to be tolerated by in silico analysis. Based on the available evidence, the clinical significance of this variant remains unclear.

Labcorp Genetics (formerly Invitae), Labcorp
Classification: Uncertain significance for Gorlin syndrome. Last evaluated: 2021-09-03. Review status: criteria provided, single submitter. Criteria: Invitae Variant Classification Sherloc (09022015). Collection method: clinical testing. Allele origin: germline.
Comment: This variant is present in population databases (rs754065147, ExAC 0.002%). This variant has not been reported in the literature in individuals affected with PTCH1-related conditions. Advanced modeling of protein sequence and biophysical properties (such as structural, functional, and spatial information, amino acid conservation, physicochemical variation, residue mobility, and thermodynamic stability) performed at Invitae indicates that this missense variant is not expected to disrupt PTCH1 protein function. In summary, the available evidence is currently insufficient to determine the role of this variant in disease. Therefore, it has been classified as a Variant of Uncertain Significance. This sequence change replaces proline with leucine at codon 1385 of the PTCH1 protein (p.Pro1385Leu). The proline residue is weakly conserved and there is a moderate physicochemical difference between proline and leucine.

GeneDx
Classification: Uncertain significance. Last evaluated: 2020-06-30. Review status: criteria provided, single submitter. Criteria: GeneDx Variant Classification Process June 2021. Collection method: clinical testing. Allele origin: germline. Affected: yes.
Comment: Not observed at a significant frequency in large population cohorts (Lek et al., 2016); In silico analysis supports that this missense variant does not alter protein structure/function; Has not been previously published as pathogenic or benign to our knowledge

NM_000264.5(PTCH1):c.4154C>T (p.Pro1385Leu)

Gene: PTCH1 (patched 1; minus strand). Cytogenetic location: 9q22.32.
Variant type: single nucleotide variant.
Coding change: c.4154C>T on transcript NM_000264.5 (MANE Select); coding-DNA position 4154, C replaced by T.
Protein change: p.Pro1385Leu; replaces proline 1385 with leucine.
Molecular consequence: missense variant. On other transcripts: non-coding transcript variant (1).
Genome position (GRCh38, 1-based): chr9:95,447,102, G>A on the plus strand (C>T on the coding strand, the complement: PTCH1 is on the minus strand). VCF-style: chr9-95447102-G-A. GRCh37 (hg19) VCF-style: chr9-98209384-G-A.
Other names: c.3956C>T, p.Pro1319Leu (NM_001083602.3); c.4151C>T, p.Pro1384Leu (NM_001083603.3); c.3701C>T, p.Pro1234Leu (NM_001083604.3, NM_001083605.3, NM_001083606.3 and 1 more transcripts); c.3998C>T, p.Pro1333Leu (NM_001354918.2); short protein forms P1234L, P1319L, P1333L, P1384L, P1385L.
Identifiers: ClinVar variation 1303675 (VCV001303675.10), dbSNP rs754065147, ClinGen allele CA5137937.